The following is an entry in ClinVar:

ClinVar aggregate classification (germline): Uncertain significance (1 of 4 stars; one submission).

Conditions:
Costello syndrome (CSTLO). Also called: HRAS-Related Costello Syndrome; FACIOCUTANEOSKELETAL SYNDROME; FCS SYNDROME. Identifiers: Orphanet 3071, MedGen C0587248, MONDO:0009026, OMIM 218040.

Submission:

Labcorp Genetics (formerly Invitae), Labcorp
Classification: Uncertain significance for Costello syndrome. Last evaluated: 2021-07-14. Review status: criteria provided, single submitter. Criteria: Invitae Variant Classification Sherloc (09022015). Collection method: clinical testing. Allele origin: germline.
Comment: Experimental studies and prediction algorithms are not available or were not evaluated, and the functional significance of this variant is currently unknown. This variant has not been reported in the literature in individuals with HRAS-related conditions. This sequence change is a complex rearrangement of exons 4-5 of the HRAS gene. It results in copy number gains for exons 4 and 5. In addition, there is some indication that part of the sequence may be inverted relative to the reading frame. There is also some indication that the surrounding sequence could be disrupted, but the exact nature of this event is unknown. In summary, the available evidence is currently insufficient to determine the role of this variant in disease. Therefore, it has been classified as a Variant of Uncertain Significance.

NC_000011.9:g.(?_532636)_(533622_?)dup

Gene: HRAS (HRas proto-oncogene, GTPase; minus strand). Cytogenetic location: 11p15.5.
Variant type: Duplication.
Identifiers: ClinVar variation 1056195 (VCV001056195.8).